The following is an entry in ClinVar:

ClinVar aggregate classification (germline): Uncertain significance. Review status: criteria provided, multiple submitters, no conflicts (2 of 4 stars). 2 submissions from 2 submitters: Uncertain significance (2). Last evaluated 2025-06-25.

Conditions:
Hereditary pancreatitis (PCTT). Also called: Hereditary chronic pancreatitis; PRSS1-Related Hereditary Pancreatitis. Identifiers: Orphanet 676, MedGen C0238339, MONDO:0008185, OMIM 167800.

Submissions (2):

ARUP Laboratories, Molecular Genetics and Genomics, ARUP Laboratories
Classification: Uncertain significance for Hereditary pancreatitis. Last evaluated: 2025-06-25. Review status: criteria provided, single submitter. Criteria: ARUP Molecular Germline Variant Investigation Process 2024. Collection method: clinical testing. Allele origin: germline.
Comment: The PRSS1 c.66C>G; p.Asp22Glu variant (rs1585978624), to our knowledge, is not reported in the medical literature but is reported in ClinVar (Variation ID: 656268). This variant is absent from the Genome Aggregation Database (v2.1.1), indicating it is not a common polymorphism. In vitro functional analyses demonstrate an increase in the autoactivation rate compared to wildtype (Nemoda and Sahin-Toth 2005). Computational analyses are uncertain whether this variant is neutral or deleterious (REVEL: 0.601). However, given the lack of clinical data and limited functional data, the significance of this variant is uncertain at this time. References: Nemoda Z and Sahin-Toth M. The tetra-aspartate motif in the activation peptide of human cationic trypsinogen is essential for autoactivation control but not for enteropeptidase recognition. J Biol Chem. 2005 Aug 19;280(33):29645-52. PMID: 15970597.

Labcorp Genetics (formerly Invitae), Labcorp
Classification: Uncertain significance for Hereditary pancreatitis. Last evaluated: 2023-02-08. Review status: criteria provided, single submitter. Criteria: Invitae Variant Classification Sherloc (09022015). Collection method: clinical testing. Allele origin: germline.
Comment: In summary, the available evidence is currently insufficient to determine the role of this variant in disease. Therefore, it has been classified as a Variant of Uncertain Significance. Experimental studies have shown that this missense change affects PRSS1 function (PMID: 15970597). Advanced modeling of protein sequence and biophysical properties (such as structural, functional, and spatial information, amino acid conservation, physicochemical variation, residue mobility, and thermodynamic stability) performed at Invitae indicates that this missense variant is not expected to disrupt PRSS1 protein function. ClinVar contains an entry for this variant (Variation ID: 656268). This variant has not been reported in the literature in individuals affected with PRSS1-related conditions. This variant is not present in population databases (gnomAD no frequency). This sequence change replaces aspartic acid, which is acidic and polar, with glutamic acid, which is acidic and polar, at codon 22 of the PRSS1 protein (p.Asp22Glu).

Literature cited by the submitters: PubMed 15970597 (cited by Labcorp Genetics (formerly Invitae), Labcorp).

NM_002769.5(PRSS1):c.66C>G (p.Asp22Glu)

Genes: PRSS1 (serine protease 1; plus strand), TRB (T cell receptor beta locus; plus strand). Cytogenetic location: 7q34.
Variant type: single nucleotide variant.
Coding change: c.66C>G on transcript NM_002769.5 (MANE Select); coding-DNA position 66, C replaced by G.
Protein change: p.Asp22Glu; replaces aspartic acid 22 with glutamic acid.
Molecular consequence: missense variant.
Genome position (GRCh38, 1-based): chr7:142,750,580, C>G. VCF-style: chr7-142750580-C-G. GRCh37 (hg19) VCF-style: chr7-142458431-C-G.
Other names: short protein forms D22E.
Identifiers: ClinVar variation 656268 (VCV000656268.11), dbSNP rs1585978624, ClinGen allele CA369607072.